The following is an entry in ClinVar:

NM_001369.3(DNAH5):c.12401C>T (p.Ala4134Val)

Gene: DNAH5 (dynein axonemal heavy chain 5; minus strand). Cytogenetic location: 5p15.2.
Variant type: single nucleotide variant.
Coding change: c.12401C>T on transcript NM_001369.3 (MANE Select); coding-DNA position 12401, C replaced by T.
Protein change: p.Ala4134Val; replaces alanine 4134 with valine.
Molecular consequence: missense variant.
Genome position (GRCh38, 1-based): chr5:13,718,980, G>A on the plus strand (C>T on the coding strand, the complement: DNAH5 is on the minus strand). VCF-style: chr5-13718980-G-A. GRCh37 (hg19) VCF-style: chr5-13719089-G-A.
Other names: short protein forms A4134V.
Identifiers: ClinVar variation 178743 (VCV000178743.44), dbSNP rs30168, ClinGen allele CA182923.

ClinVar aggregate classification (germline): Benign. Review status: criteria provided, multiple submitters, no conflicts (2 of 4 stars). 14 submissions from 14 submitters: Benign (11). 3 of the submissions do not count toward it. Last evaluated 2026-02-04.

Conditions:
Primary ciliary dyskinesia. Also called: Ciliary dyskinesia. Identifiers: Orphanet 244, MedGen C0008780, MONDO:0016575, HP:0012265.
Primary ciliary dyskinesia 3. Identifiers: Orphanet 244, MedGen C1837618, MONDO:0012085, OMIM 608644.

Allele frequency attached by ClinVar (database versions not stated): gnomAD exomes 0.41833 and 0.42499; ExAC 0.42898; gnomAD 0.44388 and 0.44440; TOPMed 0.45630; ESP Exome Variant Server 0.46217; 1000 Genomes Project 0.46546; 1000 Genomes Project 30x 0.46736.
gnomAD v4.1: 679,319 of 1,613,326 alleles (42%); highest among the groups gnomAD compares: African/African-American, 54%; 144,576 homozygotes.

Submissions (14):

Labcorp Genetics (formerly Invitae), Labcorp
Classification: Benign for Primary ciliary dyskinesia. Last evaluated: 2026-02-04. Review status: criteria provided, single submitter. Criteria: Invitae Variant Classification Sherloc (09022015). Collection method: clinical testing. Allele origin: germline.

Blueprint Genetics
Classification: Benign. Last evaluated: 2024-11-26. Review status: criteria provided, single submitter. Criteria: ACMG Guidelines, 2015. Collection method: clinical testing. Allele origin: germline.

Mayo Clinic Laboratories, Mayo Clinic
Classification: Benign. Last evaluated: 2022-04-26. Review status: criteria provided, single submitter. Criteria: ACMG Guidelines, 2015. Collection method: clinical testing. Allele origin: germline. Observed: 143 variant alleles.

Genome-Nilou Lab
Classification: Benign for Primary ciliary dyskinesia 3. Last evaluated: 2021-07-30. Review status: criteria provided, single submitter. Criteria: ACMG Guidelines, 2015. Collection method: clinical testing. Allele origin: germline. Affected: no.

Pars Genome Lab
Classification: Benign for Primary ciliary dyskinesia 3. Last evaluated: 2021-06-15. Review status: criteria provided, single submitter. Criteria: ACMG Guidelines, 2015. Collection method: clinical testing. Allele origin: germline. Affected: no.

GeneDx
Classification: Benign. Last evaluated: 2018-11-10. Review status: criteria provided, single submitter. Criteria: GeneDx Variant Classification Process June 2021. Collection method: clinical testing. Allele origin: germline. Affected: yes.

Illumina Laboratory Services, Illumina
Classification: Benign for Primary ciliary dyskinesia 3. Last evaluated: 2018-01-13. Review status: criteria provided, single submitter. Criteria: ICSL Variant Classification Criteria 13 December 2019. Collection method: clinical testing. Allele origin: germline.
Comment: This variant was observed in the ICSL laboratory as part of a predisposition screen in an ostensibly healthy population. It had not been previously curated by ICSL or reported in the Human Gene Mutation Database (HGMD: prior to June 1st, 2018), and was therefore a candidate for classification through an automated scoring system. Utilizing variant allele frequency, disease prevalence and penetrance estimates, and inheritance mode, an automated score was calculated to assess if this variant is too frequent to cause the disease. Based on the score and internal cut-off values, a variant classified as benign is not then subjected to further curation. The score for this variant resulted in a classification of benign for this disease.

Ambry Genetics
Classification: Benign for Primary ciliary dyskinesia. Last evaluated: 2014-12-11. Review status: criteria provided, single submitter. Criteria: Ambry Variant Classification Scheme 2023. Collection method: clinical testing. Allele origin: germline.

Laboratory for Molecular Medicine, Mass General Brigham Personalized Medicine
Classification: Benign. Last evaluated: 2013-02-21. Review status: criteria provided, single submitter. Criteria: LMM Criteria. Collection method: clinical testing. Allele origin: germline. Observed: 80 variant alleles.
Comment: Ala4134Val in exon 72 of DNAH5: This variant is not expected to have clinical si gnificance because it has been identified in 46.5% (2049/4406) of African Americ an chromosomes from a broad population by the NHLBI Exome Sequencing Project (dbSNP rs30168).

Breakthrough Genomics
Classification: Benign. Review status: criteria provided, single submitter. Criteria: ACMG Guidelines, 2015. Collection method: not provided. Allele origin: germline. Inheritance: Autosomal recessive inheritance. Affected: yes.

PreventionGenetics, part of Exact Sciences
Classification: Benign. Review status: criteria provided, single submitter. Criteria: ACMG Guidelines, 2015. Collection method: clinical testing. Allele origin: germline.

Natera, Inc.
Classification: Benign for Primary ciliary dyskinesia. Last evaluated: 2020-09-16. Review status: no assertion criteria provided. Collection method: clinical testing. Allele origin: germline. Not counted in ClinVar's aggregate classification.

Clinical Genetics DNA and cytogenetics Diagnostics Lab, Erasmus MC, Erasmus Medical Center
Classification: Benign. Review status: no assertion criteria provided. Collection method: clinical testing. Allele origin: germline. Affected: yes. Study: VKGL Data-share Consensus. Not counted in ClinVar's aggregate classification.

Diagnostic Laboratory, Department of Genetics, University Medical Center Groningen
Classification: Benign. Review status: no assertion criteria provided. Collection method: clinical testing. Allele origin: germline. Affected: yes. Study: VKGL Data-share Consensus. Not counted in ClinVar's aggregate classification.